The following is an entry in ClinVar:

NM_032119.4(ADGRV1):c.11941-24_11941-5del

Gene: ADGRV1 (adhesion G protein-coupled receptor V1; plus strand). Cytogenetic location: 5q14.3.
Variant type: Deletion.
Coding change: c.11941-24_11941-5del on transcript NM_032119.4 (MANE Select); 24 bases into the intron before coding-DNA position 11941 through 5 bases into the intron before coding-DNA position 11941, 20 bases deleted (TCCCTTCCTTCCTTTCTTTC).
Molecular consequence: intron variant.
Genome position (GRCh38, 1-based): chr5:90,759,385-90,759,404, TCCCTTCCTTCCTTTCTTTC deleted; deleting any 20 consecutive bases within chr5:90,759,379-90,759,404 gives the same sequence; the c. name uses the placement nearest the transcript's 3' end. VCF-style (leftmost placement, unchanged base first): chr5-90759378-CTCTTTCTCCCTTCCTTCCTT-C. GRCh37 (hg19) VCF-style: chr5-90055195-CTCTTTCTCCCTTCCTTCCTT-C.
Other names: c.11941-24_11941-5del20 (NM_032119.3).
Identifiers: ClinVar variation 514416 (VCV000514416.1), dbSNP rs1554106202, ClinGen allele CA658796547.

ClinVar aggregate classification (germline): Likely benign (1 of 4 stars; one submission).

Submission:

GeneDx
Classification: Likely benign. Last evaluated: 2018-01-22. Review status: criteria provided, single submitter. Criteria: GeneDx Variant Classification (06012015). Collection method: clinical testing. Allele origin: germline. Affected: yes.
Comment: This variant is considered likely benign or benign based on one or more of the following criteria: it is a conservative change, it occurs at a poorly conserved position in the protein, it is predicted to be benign by multiple in silico algorithms, and/or has population frequency not consistent with disease.